The following is an entry in ClinVar:

ClinVar aggregate classification (germline): Uncertain significance (1 of 4 stars; one submission).

Conditions:
SMC3-related disorder. Also called: SMC3-related condition.

Submission:

PreventionGenetics, part of Exact Sciences
Classification: Uncertain significance for SMC3-related condition. Last evaluated: 2023-07-18. Review status: criteria provided, single submitter. Criteria: ACMG Guidelines, 2015. Collection method: clinical testing. Allele origin: germline.
Comment: The SMC3 c.1853G>A variant is predicted to result in the amino acid substitution p.Arg618Lys. To our knowledge, this variant has not been reported in the literature or in a large population database, indicating this variant is rare. At this time, the clinical significance of this variant is uncertain due to the absence of conclusive functional and genetic evidence.

NM_005445.4(SMC3):c.1853G>A (p.Arg618Lys)

Gene: SMC3 (structural maintenance of chromosomes 3; plus strand). Cytogenetic location: 10q25.2.
Variant type: single nucleotide variant.
Coding change: c.1853G>A on transcript NM_005445.4 (MANE Select); coding-DNA position 1853, G replaced by A.
Protein change: p.Arg618Lys; replaces arginine 618 with lysine.
Molecular consequence: missense variant.
Genome position (GRCh38, 1-based): chr10:110,593,113, G>A. VCF-style: chr10-110593113-G-A. GRCh37 (hg19) VCF-style: chr10-112352871-G-A.
Other names: short protein forms R618K.
Identifiers: ClinVar variation 2631373 (VCV002631373.1), dbSNP rs2493131834, ClinGen allele CA378390348.